The following is an entry in ClinVar:

ClinVar aggregate classification (germline): Uncertain significance (1 of 4 stars; one submission).

Submission:

Labcorp Genetics (formerly Invitae), Labcorp
Classification: Uncertain significance. Last evaluated: 2023-12-06. Review status: criteria provided, single submitter. Criteria: Invitae Variant Classification Sherloc (09022015). Collection method: clinical testing. Allele origin: germline.
Comment: This sequence change replaces cysteine, which is neutral and slightly polar, with phenylalanine, which is neutral and non-polar, at codon 249 of the ALDH3A2 protein (p.Cys249Phe). This variant is not present in population databases (gnomAD no frequency). This variant has not been reported in the literature in individuals affected with ALDH3A2-related conditions. ClinVar contains an entry for this variant (Variation ID: 1717954). Advanced modeling of protein sequence and biophysical properties (such as structural, functional, and spatial information, amino acid conservation, physicochemical variation, residue mobility, and thermodynamic stability) performed at Invitae indicates that this missense variant is expected to disrupt ALDH3A2 protein function with a positive predictive value of 80%. In summary, the available evidence is currently insufficient to determine the role of this variant in disease. Therefore, it has been classified as a Variant of Uncertain Significance.

NM_000382.3(ALDH3A2):c.746G>T (p.Cys249Phe)

Gene: ALDH3A2 (aldehyde dehydrogenase 3 family member A2; plus strand). Cytogenetic location: 17p11.2.
Variant type: single nucleotide variant.
Coding change: c.746G>T on transcript NM_000382.3 (MANE Select); coding-DNA position 746, G replaced by T.
Protein change: p.Cys249Phe; replaces cysteine 249 with phenylalanine.
Molecular consequence: missense variant.
Genome position (GRCh38, 1-based): chr17:19,657,810, G>T. VCF-style: chr17-19657810-G-T. GRCh37 (hg19) VCF-style: chr17-19561123-G-T.
Other names: c.746G>T, p.Cys249Phe (NM_001031806.2, NM_001369136.1, NM_001369137.2 and 3 more transcripts); c.167G>T, p.Cys56Phe (NM_001369148.2); short protein forms C249F, C56F.
Identifiers: ClinVar variation 1717954 (VCV001717954.5), dbSNP rs148103086, ClinGen allele CA398706884.